The following is an entry in ClinVar:

ClinVar aggregate classification (germline): Pathogenic/Likely pathogenic. Review status: criteria provided, multiple submitters, no conflicts (2 of 4 stars). 2 submissions from 2 submitters: Pathogenic (1); Likely pathogenic (1). Last evaluated 2025-10-26.

Conditions:
Cerebellar ataxia, impaired intellectual development, and dysequilibrium syndrome 4. Also called: CEREBELLAR ATAXIA AND MENTAL RETARDATION WITH OR WITHOUT QUADRUPEDAL LOCOMOTION 4; Cerebellar ataxia, mental retardation, and dysequilibrium syndrome 4; Cerebellar ataxia, intellectual disability, and dysequilibrium syndrome 4. Identifiers: Orphanet 1766, MedGen C3808977, MONDO:0014104, OMIM 615268.

Allele frequency attached by ClinVar (database versions not stated): TOPMed 0.00002; gnomAD exomes 0.00001 and 0.00002; ESP Exome Variant Server 0.00016; gnomAD 0.00001; ExAC 0.00002.
gnomAD v4.1: 12 of 1,613,646 alleles (0.00074%); highest among the groups gnomAD compares: African/African-American, 0.0027%; no homozygotes.

Submissions (2):

Labcorp Genetics (formerly Invitae), Labcorp
Classification: Likely pathogenic. Last evaluated: 2025-10-26. Review status: criteria provided, single submitter. Criteria: Invitae Variant Classification Sherloc (09022015). Collection method: clinical testing. Allele origin: germline.
Comment: This sequence change affects an acceptor splice site in intron 1 of the ATP8A2 gene. It is expected to disrupt RNA splicing. Variants that disrupt the donor or acceptor splice site typically lead to a loss of protein function (PMID: 16199547), and loss-of-function variants in ATP8A2 are known to be pathogenic (PMID: 28454995, 29531481). This variant is present in population databases (rs373909734, gnomAD 0.007%). This variant has not been reported in the literature in individuals affected with ATP8A2-related conditions. ClinVar contains an entry for this variant (Variation ID: 1033826). Algorithms developed to predict the effect of sequence changes on RNA splicing suggest that this variant may disrupt the consensus splice site. In summary, the currently available evidence indicates that the variant is pathogenic, but additional data are needed to prove that conclusively. Therefore, this variant has been classified as Likely Pathogenic.

Baylor Genetics
Classification: Pathogenic for Cerebellar ataxia, impaired intellectual development, and dysequilibrium syndrome 4. Last evaluated: 2018-06-26. Review status: criteria provided, single submitter. Criteria: ACMG Guidelines, 2015. Collection method: clinical testing. Allele origin: unknown. Affected: yes.
Comment: This variant was determined to be pathogenic according to ACMG Guidelines, 2015 [PMID:25741868].

Literature cited by the submitters: PubMed 16199547 (cited by Labcorp Genetics (formerly Invitae), Labcorp); PubMed 28454995 (cited by Labcorp Genetics (formerly Invitae), Labcorp); PubMed 29531481 (cited by Labcorp Genetics (formerly Invitae), Labcorp).

NM_016529.6(ATP8A2):c.77-2A>G

Gene: ATP8A2 (ATPase phospholipid transporting 8A2). Cytogenetic location: 13q12.13.
Variant type: single nucleotide variant.
Coding change: c.77-2A>G on transcript NM_016529.6 (MANE Select); the canonical splice acceptor site of the intron before coding-DNA position 77, A replaced by G.
Molecular consequence: splice acceptor variant.
Genome position (GRCh38, 1-based): chr13:25,468,975, A>G. VCF-style: chr13-25468975-A-G. GRCh37 (hg19) VCF-style: chr13-26043113-A-G.
Other names: c.77-2A>G (NM_001411005.1, NM_001411006.1); c.-44-2A>G (NM_001313741.1).
Identifiers: ClinVar variation 1033826 (VCV001033826.2), dbSNP rs373909734, ClinGen allele CA6922456.